The following is an entry in ClinVar:

ClinVar aggregate classification (germline): Uncertain significance (1 of 4 stars; one submission).

Conditions:
Glanzmann thrombasthenia. Also called: Glanzmann's thrombasthenia; BLEEDING DISORDER, PLATELET-TYPE, 2; THROMBASTHENIA OF GLANZMANN AND NAEGELI; Thrombasthenia; PLATELET GLYCOPROTEIN IIb-IIIa DEFICIENCY. Identifiers: Orphanet 849, MedGen C0040015, MONDO:0100326.

Submission:

Labcorp Genetics (formerly Invitae), Labcorp
Classification: Uncertain significance for Glanzmann thrombasthenia. Last evaluated: 2024-12-03. Review status: criteria provided, single submitter. Criteria: Invitae Variant Classification Sherloc (09022015). Collection method: clinical testing. Allele origin: germline.
Comment: This sequence change replaces arginine, which is basic and polar, with leucine, which is neutral and non-polar, at codon 104 of the ITGA2B protein (p.Arg104Leu). This variant is not present in population databases (gnomAD no frequency). This variant has not been reported in the literature in individuals affected with ITGA2B-related conditions. Invitae Evidence Modeling of protein sequence and biophysical properties (such as structural, functional, and spatial information, amino acid conservation, physicochemical variation, residue mobility, and thermodynamic stability) has been performed for this missense variant. However, the output from this modeling did not meet the statistical confidence thresholds required to predict the impact of this variant on ITGA2B protein function. Algorithms developed to predict the effect of sequence changes on RNA splicing suggest that this variant may disrupt the consensus splice site. In summary, the available evidence is currently insufficient to determine the role of this variant in disease. Therefore, it has been classified as a Variant of Uncertain Significance.

NM_000419.5(ITGA2B):c.311G>T (p.Arg104Leu)

Gene: ITGA2B (integrin subunit alpha 2b; minus strand). Cytogenetic location: 17q21.31.
Variant type: single nucleotide variant.
Coding change: c.311G>T on transcript NM_000419.5 (MANE Select); coding-DNA position 311, G replaced by T.
Protein change: p.Arg104Leu; replaces arginine 104 with leucine.
Molecular consequence: missense variant.
Genome position (GRCh38, 1-based): chr17:44,385,921, C>A on the plus strand (G>T on the coding strand, the complement: ITGA2B is on the minus strand). VCF-style: chr17-44385921-C-A. GRCh37 (hg19) VCF-style: chr17-42463289-C-A.
Other names: short protein forms R104L.
Identifiers: ClinVar variation 3715236 (VCV003715236.2).